The following is an entry in ClinVar:

ClinVar aggregate classification (germline): Pathogenic (1 of 4 stars; one submission).

Submission:

Labcorp Genetics (formerly Invitae), Labcorp
Classification: Pathogenic. Last evaluated: 2022-09-01. Review status: criteria provided, single submitter. Criteria: Invitae Variant Classification Sherloc (09022015). Collection method: clinical testing. Allele origin: germline.
Comment: This missense change has been observed in individual(s) with X-linked hypophosphatemia (PMID: 32253725, 32772199). For these reasons, this variant has been classified as Pathogenic. This variant disrupts the c.1404G nucleotide in the PHEX gene. Other variant(s) that disrupt this nucleotide have been determined to be pathogenic (PMID: 33639975; Invitae). This suggests that this nucleotide is clinically significant, and that variants that disrupt this position are likely to be disease-causing. Variants that disrupt the consensus splice site are a relatively common cause of aberrant splicing (PMID: 17576681, 9536098). Algorithms developed to predict the effect of missense changes on protein structure and function (SIFT, PolyPhen-2, Align-GVGD) all suggest that this variant is likely to be disruptive. This variant is not present in population databases (gnomAD no frequency). This sequence change replaces lysine, which is basic and polar, with asparagine, which is neutral and polar, at codon 468 of the PHEX protein (p.Lys468Asn). This variant also falls at the last nucleotide of exon 12, which is part of the consensus splice site for this exon.

Literature cited by the submitters: PubMed 32253725; PubMed 32772199; PubMed 33639975; PubMed 17576681; PubMed 9536098.

NM_000444.6(PHEX):c.1404G>T (p.Lys468Asn)

Gene: PHEX (phosphate regulating endopeptidase X-linked; plus strand). Cytogenetic location: Xp22.11.
Variant type: single nucleotide variant.
Coding change: c.1404G>T on transcript NM_000444.6 (MANE Select); coding-DNA position 1404, G replaced by T.
Protein change: p.Lys468Asn; replaces lysine 468 with asparagine.
Molecular consequence: missense variant.
Genome position (GRCh38, 1-based): chrX:22,133,624, G>T. VCF-style: chrX-22133624-G-T. GRCh37 (hg19) VCF-style: chrX-22151741-G-T.
Other names: c.1404G>T, p.Lys468Asn (NM_001282754.2); short protein forms K468N.
Identifiers: ClinVar variation 1929566 (VCV001929566.5), dbSNP rs754449807, ClinGen allele CA412574803.
Genomic context (GRCh38, chrX:22,133,624, plus strand): 5'-CATGCTAGAGAAAGAAAATGAGTGGATGGATGCAGGAACGAAAAGGAAAGCCAAAGAAAA[G>T]GTAAGGATTCCTTTTGATGAAAAAAAAATAAGACTTCTGGTTTAATGGATGTTCATGCTT-3'
Protein context (NP_000435.3, residues 458-478): DAGTKRKAKE[Lys468Asn]ARAVLAKVGY